The following is an entry in ClinVar:

ClinVar aggregate classification (germline): Pathogenic/Likely pathogenic. Review status: criteria provided, multiple submitters, no conflicts (2 of 4 stars). 3 submissions from 3 submitters: Pathogenic (1); Likely pathogenic (1). 1 of the submissions does not count toward it. Last evaluated 2024-03-04.

Conditions:
Cryopyrin associated periodic syndrome (CAPS). Identifiers: Orphanet 208650, MedGen C2316212, MONDO:0016168.
Familial cold autoinflammatory syndrome 1 (FCAS1). Also called: Familial cold inflammatory syndrome 1; CRYOPYRIN-ASSOCIATED PERIODIC SYNDROME 1. Identifiers: Orphanet 47045, MedGen C4551895, MONDO:0007349, OMIM 120100.

Submissions (3):

Labcorp Genetics (formerly Invitae), Labcorp
Classification: Pathogenic for Cryopyrin associated periodic syndrome. Last evaluated: 2024-03-04. Review status: criteria provided, single submitter. Criteria: Invitae Variant Classification Sherloc (09022015). Collection method: clinical testing. Allele origin: germline.
Comment: This sequence change replaces alanine, which is neutral and non-polar, with threonine, which is neutral and polar, at codon 441 of the NLRP3 protein (p.Ala441Thr). This variant is not present in population databases (gnomAD no frequency). This missense change has been observed in individual(s) with clinical features of cryopyrin-associated periodic syndrome (PMID: 11992256, 28079503). It has also been observed to segregate with disease in related individuals. This variant is also known as p.Ala439Thr. ClinVar contains an entry for this variant (Variation ID: 97925). Advanced modeling of protein sequence and biophysical properties (such as structural, functional, and spatial information, amino acid conservation, physicochemical variation, residue mobility, and thermodynamic stability) has been performed at Invitae for this missense variant, however the output from this modeling did not meet the statistical confidence thresholds required to predict the impact of this variant on NLRP3 protein function. This variant disrupts the p.Ala441 amino acid residue in NLRP3. Other variant(s) that disrupt this residue have been determined to be pathogenic (PMID: 11687797, 15801036, 25596455, 26245507, 26931528, 27134254). This suggests that this residue is clinically significant, and that variants that disrupt this residue are likely to be disease-causing. For these reasons, this variant has been classified as Pathogenic.

GeneDx
Classification: Likely pathogenic. Last evaluated: 2024-02-07. Review status: criteria provided, single submitter. Criteria: GeneDx Variant Classification Process June 2021. Collection method: clinical testing. Allele origin: germline. Affected: yes.
Comment: Not observed at significant frequency in large population cohorts (gnomAD); In silico analysis supports that this missense variant has a deleterious effect on protein structure/function; Also known as p.(A439T); This variant is associated with the following publications: (PMID: 25979514, 34672126, 30772614, 11992256, 21109514, 25653548, 17875812, 31777803, 28079503, 26245507, 21727933, 19302049)

Unité médicale des maladies autoinflammatoires, CHRU Montpellier
No classification provided. Condition: Familial cold urticaria. Review status: no classification provided. Collection method: not provided. Allele origin: unknown. Not counted in ClinVar's aggregate classification.
Comment: also involved in OMIM 191900 and 607115

Literature cited by the submitters: PubMed 11992256 (cited by Labcorp Genetics (formerly Invitae), Labcorp); PubMed 28079503 (cited by Labcorp Genetics (formerly Invitae), Labcorp); PubMed 11687797 (cited by Labcorp Genetics (formerly Invitae), Labcorp); PubMed 15801036 (cited by Labcorp Genetics (formerly Invitae), Labcorp); PubMed 25596455 (cited by Labcorp Genetics (formerly Invitae), Labcorp); PubMed 26245507 (cited by Labcorp Genetics (formerly Invitae), Labcorp); PubMed 26931528 (cited by Labcorp Genetics (formerly Invitae), Labcorp); PubMed 27134254 (cited by Labcorp Genetics (formerly Invitae), Labcorp).

NM_001243133.2(NLRP3):c.1315G>A (p.Ala439Thr)

Gene: NLRP3 (NLR family pyrin domain containing 3; plus strand). Cytogenetic location: 1q44.
Variant type: single nucleotide variant.
Coding change: c.1315G>A on transcript NM_001243133.2 (MANE Select); coding-DNA position 1315, G replaced by A.
Protein change: p.Ala439Thr; replaces alanine 439 with threonine.
Molecular consequence: missense variant.
Genome position (GRCh38, 1-based): chr1:247,424,764, G>A. VCF-style: chr1-247424764-G-A. GRCh37 (hg19) VCF-style: chr1-247588066-G-A.
Other names: c.1315G>A, p.Ala439Thr (NM_001079821.3, NM_001127461.3, NM_001127462.3 and 1 more transcripts); c.1321G>A, p.Ala441Thr (NM_004895.5); c.1321G>A (NM_004895.4); short protein forms A441T, A439T.
Identifiers: ClinVar variation 97925 (VCV000097925.8), dbSNP rs180177430, ClinGen allele CA281181.